The following is an entry in ClinVar:

NM_005787.6(ALG3):c.*5C>T

Gene: ALG3 (ALG3 alpha-1,3- mannosyltransferase; minus strand). Cytogenetic location: 3q27.1.
Variant type: single nucleotide variant.
Coding change: c.*5C>T on transcript NM_005787.6 (MANE Select); 5 bases downstream of the stop codon, C replaced by T.
Molecular consequence: 3 prime UTR variant. On other transcripts: non-coding transcript variant (2).
Genome position (GRCh38, 1-based): chr3:184,242,509, G>A on the plus strand (C>T on the coding strand, the complement: ALG3 is on the minus strand). VCF-style: chr3-184242509-G-A. GRCh37 (hg19) VCF-style: chr3-183960297-G-A.
Other names: c.*5C>T (NM_001006941.2, NM_001006942.1).
Identifiers: ClinVar variation 3051622 (VCV003051622.2), dbSNP rs757011568, ClinGen allele CA2729259.

ClinVar aggregate classification (germline): Likely benign (0 of 4 stars; one submission).

Conditions:
ALG3-related disorder. Also called: ALG3-related condition.

Allele frequency attached by ClinVar (database versions not stated): gnomAD exomes below 0.00001; TOPMed below 0.00001; ExAC 0.00001; gnomAD 0.00001.
gnomAD v4.1: 3 of 1,612,466 alleles (0.00019%); highest among the groups gnomAD compares: Non-Finnish European, 0.00025%; no homozygotes.

Submission:

PreventionGenetics, part of Exact Sciences
Classification: Likely benign for ALG3-related condition. Last evaluated: 2020-02-04. Review status: no assertion criteria provided. Collection method: clinical testing. Allele origin: germline.
Comment: This variant is classified as likely benign based on ACMG/AMP sequence variant interpretation guidelines (Richards et al. 2015 PMID: 25741868, with internal and published modifications).